The following is an entry in ClinVar:

NM_017763.6(RNF43):c.1954C>T (p.Pro652Ser)

Gene: RNF43 (ring finger protein 43; minus strand). Cytogenetic location: 17q22.
Variant type: single nucleotide variant.
Coding change: c.1954C>T on transcript NM_017763.6 (MANE Select); coding-DNA position 1954, C replaced by T.
Protein change: p.Pro652Ser; replaces proline 652 with serine.
Molecular consequence: missense variant.
Genome position (GRCh38, 1-based): chr17:58,357,822, G>A on the plus strand (C>T on the coding strand, the complement: RNF43 is on the minus strand). VCF-style: chr17-58357822-G-A. GRCh37 (hg19) VCF-style: chr17-56435183-G-A.
Other names: c.1954C>T, p.Pro652Ser (NM_001305544.3); c.1573C>T, p.Pro525Ser (NM_001305545.2); short protein forms P525S, P652S.
Identifiers: ClinVar variation 1061362 (VCV001061362.10), dbSNP rs1212768938, ClinGen allele CA400386799.
Genomic context (GRCh38, chr17:58,357,822, plus strand): 5'-CATCCTGGGGCCGAGAGCCAGGGGTGGGCTCGGAGGGACCCCCCCGCCTTTTCCTCTGTG[G>A]GTGTCGGGCAGAGAGGCTGGATTTTTGCAAGTTGAACAGACTGCTGGTACTGGGGCAGAT-3'
Protein context (NP_060233.3, residues 642-662): LQKSSLSARH[Pro652Ser]QRKRRGGPSE

ClinVar aggregate classification (germline): Uncertain significance. Review status: criteria provided, multiple submitters, no conflicts (2 of 4 stars). 2 submissions from 2 submitters: Uncertain significance (2). Last evaluated 2025-06-09.

Submissions (2):

Ambry Genetics
Classification: Uncertain significance. Last evaluated: 2025-06-09. Review status: criteria provided, single submitter. Criteria: Ambry Variant Classification Scheme 2023. Collection method: clinical testing. Allele origin: germline.
Comment: The p.P652S variant (also known as c.1954C>T), located in coding exon 8 of the RNF43 gene, results from a C to T substitution at nucleotide position 1954. The proline at codon 652 is replaced by serine, an amino acid with similar properties. This amino acid position is conserved. In addition, this alteration is predicted to be tolerated by in silico analysis. Based on the available evidence, the clinical significance of this variant remains unclear.

Labcorp Genetics (formerly Invitae), Labcorp
Classification: Uncertain significance. Last evaluated: 2020-09-20. Review status: criteria provided, single submitter. Criteria: Invitae Variant Classification Sherloc (09022015). Collection method: clinical testing. Allele origin: germline.
Comment: In summary, the available evidence is currently insufficient to determine the role of this variant in disease. Therefore, it has been classified as a Variant of Uncertain Significance. Algorithms developed to predict the effect of missense changes on protein structure and function are either unavailable or do not agree on the potential impact of this missense change (SIFT: "Deleterious"; PolyPhen-2: "Benign"; Align-GVGD: "Class C0"). This variant has not been reported in the literature in individuals with RNF43-related conditions. This variant is not present in population databases (ExAC no frequency). This sequence change replaces proline with serine at codon 652 of the RNF43 protein (p.Pro652Ser). The proline residue is moderately conserved and there is a moderate physicochemical difference between proline and serine.